The following is an entry in ClinVar:

ClinVar aggregate classification (germline): Pathogenic (1 of 4 stars; one submission).

Submission:

GeneDx
Classification: Pathogenic. Last evaluated: 2025-08-08. Review status: criteria provided, single submitter. Criteria: GeneDx Variant Classification Process June 2021. Collection method: clinical testing. Allele origin: germline.
Comment: Not observed at significant frequency in large population cohorts (gnomAD); In silico analysis supports that this missense variant has a deleterious effect on protein structure/function; Has not been previously published as pathogenic or benign to our knowledge; This variant is associated with the following publications: (PMID: 17631897)

NM_001356.5(DDX3X):c.1538T>G (p.Val513Gly)

Gene: DDX3X (DEAD-box helicase 3 X-linked; plus strand). Cytogenetic location: Xp11.4.
Variant type: single nucleotide variant.
Coding change: c.1538T>G on transcript NM_001356.5 (MANE Select); coding-DNA position 1538, T replaced by G.
Protein change: p.Val513Gly; replaces valine 513 with glycine.
Molecular consequence: missense variant. On other transcripts: non-coding transcript variant (1).
Genome position (GRCh38, 1-based): chrX:41,346,545, T>G. VCF-style: chrX-41346545-T-G. GRCh37 (hg19) VCF-style: chrX-41205798-T-G.
Other names: c.1538T>G, p.Val513Gly (NM_001193416.3); c.1490T>G, p.Val497Gly (NM_001193417.3); c.980T>G, p.Val327Gly (NM_001363819.1); short protein forms V327G, V497G, V513G.
Identifiers: ClinVar variation 3906481 (VCV003906481.2).